The following is an entry in ClinVar:

NM_015192.4(PLCB1):c.2474A>G (p.Lys825Arg)

Gene: PLCB1 (phospholipase C beta 1; plus strand). Cytogenetic location: 20p12.3.
Variant type: single nucleotide variant.
Coding change: c.2474A>G on transcript NM_015192.4 (MANE Select); coding-DNA position 2474, A replaced by G.
Protein change: p.Lys825Arg; replaces lysine 825 with arginine.
Molecular consequence: missense variant.
Genome position (GRCh38, 1-based): chr20:8,741,524, A>G. VCF-style: chr20-8741524-A-G. GRCh37 (hg19) VCF-style: chr20-8722171-A-G.
Other names: c.2474A>G, p.Lys825Arg (NM_182734.3); c.2474A>G (NM_015192.2); short protein forms K825R.
Identifiers: ClinVar variation 538885 (VCV000538885.20), dbSNP rs146646749, ClinGen allele CA9760239.
Genomic context (GRCh38, chr20:8,741,524, plus strand): 5'-ATGTCATCGAAGCTTTATCAAACCCAATCCGATATGTGAACCTGATGGAACAGAGAGCTA[A>G]GCAATTGGCTGCTTTGACACTGGAAGATGAAGAAGAAGTAAAGAAAGAGGTGAGAGGGTG-3'
Protein context (NP_056007.1, residues 815-835): RYVNLMEQRA[Lys825Arg]QLAALTLEDE

ClinVar aggregate classification (germline): Uncertain significance. Review status: criteria provided, multiple submitters, no conflicts (2 of 4 stars). 5 submissions from 5 submitters: Uncertain significance (5). Last evaluated 2025-10-01.

Conditions:
Developmental and epileptic encephalopathy, 12 (DEE12). Identifiers: MedGen C3150988, MONDO:0013389, OMIM 613722.

Allele frequency attached by ClinVar (database versions not stated): ExAC 0.00020; gnomAD exomes 0.00020 and 0.00035; gnomAD 0.00022 and 0.00023; TOPMed 0.00022; ESP Exome Variant Server 0.00023.
gnomAD v4.1: 542 of 1,613,728 alleles (0.034%); highest among the groups gnomAD compares: Middle Eastern, 0.082%; no homozygotes.

Submissions (5):

CeGaT Center for Human Genetics Tuebingen
Classification: Uncertain significance. Last evaluated: 2025-10-01. Review status: criteria provided, single submitter. Criteria: CeGaT Center For Human Genetics Tuebingen Variant Classification Criteria Version 2. Collection method: clinical testing. Allele origin: germline. Affected: yes. Observed: 2 variant alleles.
Comment: PLCB1: PM2, PP2

GeneDx
Classification: Uncertain significance. Last evaluated: 2025-05-27. Review status: criteria provided, single submitter. Criteria: GeneDx Variant Classification Process June 2021. Collection method: clinical testing. Allele origin: germline. Affected: yes.
Comment: Reported previously in patients with myelomeningocele or epilepsy; however, further clinical or segregation information was not provided on either patient (PMID: 32970752, 36539902); In silico analysis suggests that this missense variant does not alter protein structure/function; This variant is associated with the following publications: (PMID: 32970752, 36539902)

Labcorp Genetics (formerly Invitae), Labcorp
Classification: Uncertain significance for Developmental and epileptic encephalopathy, 12. Last evaluated: 2022-09-07. Review status: criteria provided, single submitter. Criteria: Invitae Variant Classification Sherloc (09022015). Collection method: clinical testing. Allele origin: germline.
Comment: This sequence change replaces lysine, which is basic and polar, with arginine, which is basic and polar, at codon 825 of the PLCB1 protein (p.Lys825Arg). This variant is present in population databases (rs146646749, gnomAD 0.04%). This variant has not been reported in the literature in individuals affected with PLCB1-related conditions. ClinVar contains an entry for this variant (Variation ID: 538885). Algorithms developed to predict the effect of missense changes on protein structure and function (SIFT, PolyPhen-2, Align-GVGD) all suggest that this variant is likely to be tolerated. In summary, the available evidence is currently insufficient to determine the role of this variant in disease. Therefore, it has been classified as a Variant of Uncertain Significance.

Dubai Health Genomic Medicine Center, Dubai Health
Classification: Uncertain significance for Developmental and epileptic encephalopathy, 12. Last evaluated: 2020-03-24. Review status: criteria provided, single submitter. Criteria: ACMG Guidelines, 2015. Collection method: clinical testing. Allele origin: germline. Affected: yes.
Comment: The Lys825Arg in PLCB1 has not been previously reported in affected individuals but was identified in 50/129104 alleles (0.038% 0 homozygotes) European Non-Finnish alleles in the Genome Aggregation Database (gnomAD) and in 1/1985 alleles in the Greater Middle East (GME) Variome Database. Computational prediction tools and conservation analysis do not suggest an impact to protein function however this information is not predictive enough to rule out pathogenicity. In summary more information is needed to determine the clinical significance of this variant.

Fulgent Genetics
Classification: Uncertain significance for Developmental and epileptic encephalopathy, 12. Last evaluated: 2018-10-31. Review status: criteria provided, single submitter. Criteria: ACMG Guidelines, 2015. Collection method: clinical testing. Allele origin: unknown.